The following is an entry in ClinVar:

ClinVar aggregate classification (germline): Uncertain significance (1 of 4 stars; one submission).

Conditions:
Familial thoracic aortic aneurysm and aortic dissection (TAAD). Also called: Thoracic aortic aneurysms and dissections. Identifiers: Orphanet 91387, MedGen C4707243, MONDO:0019625.
Hereditary cancer-predisposing syndrome. Also called: Tumor predisposition; Neoplastic Syndromes, Hereditary; Hereditary neoplastic syndrome; Hereditary Cancer Syndrome. Identifiers: Orphanet 140162, MedGen C0027672, MeSH D009386, MONDO:0015356.

Submission:

Ambry Genetics
Classification: Uncertain significance for Hereditary cancer-predisposing syndrome; Familial thoracic aortic aneurysm and aortic dissection. Last evaluated: 2024-11-21. Review status: criteria provided, single submitter. Criteria: Ambry Variant Classification Scheme 2023. Collection method: clinical testing. Allele origin: germline.
Comment: The p.A418S variant (also known as c.1252G>T), located in coding exon 9 of the SMAD4 gene, results from a G to T substitution at nucleotide position 1252. The alanine at codon 418 is replaced by serine, an amino acid with similar properties. This amino acid position is conserved. In addition, this alteration is predicted to be deleterious by in silico analysis. Based on the available evidence, the clinical significance of this variant remains unclear.

NM_005359.6(SMAD4):c.1252G>T (p.Ala418Ser)

Gene: SMAD4 (SMAD family member 4; plus strand). Cytogenetic location: 18q21.2.
Variant type: single nucleotide variant.
Coding change: c.1252G>T on transcript NM_005359.6 (MANE Select); coding-DNA position 1252, G replaced by T.
Protein change: p.Ala418Ser; replaces alanine 418 with serine.
Molecular consequence: missense variant. On other transcripts: non-coding transcript variant (1).
Genome position (GRCh38, 1-based): chr18:51,067,131, G>T. VCF-style: chr18-51067131-G-T. GRCh37 (hg19) VCF-style: chr18-48593501-G-T.
Other names: c.1252G>T, p.Ala418Ser (NM_001407041.1, NM_001407042.1); short protein forms A418S.
Identifiers: ClinVar variation 3445882 (VCV003445882.1).
Genomic context (GRCh38, chr18:51,067,131, plus strand): 5'-TGGGTCAGGTGCCTTAGTGACCACGCGGTCTTTGTACAGAGTTACTACTTAGACAGAGAA[G>T]CTGGGCGTGCACCTGGAGATGCTGTTCATAAGATCTACCCAAGTGCATATATAAAGGTTA-3'
Protein context (NP_005350.1, residues 408-428): FVQSYYLDRE[Ala418Ser]GRAPGDAVHK